The following is an entry in ClinVar:

NM_024529.5(CDC73):c.989G>T (p.Arg330Leu)

Gene: CDC73 (cell division cycle 73; plus strand). Cytogenetic location: 1q31.2.
Variant type: single nucleotide variant.
Coding change: c.989G>T on transcript NM_024529.5 (MANE Select); coding-DNA position 989, G replaced by T.
Protein change: p.Arg330Leu; replaces arginine 330 with leucine.
Molecular consequence: missense variant.
Genome position (GRCh38, 1-based): chr1:193,203,811, G>T. VCF-style: chr1-193203811-G-T. GRCh37 (hg19) VCF-style: chr1-193172941-G-T.
Other names: short protein forms R330L.
Identifiers: ClinVar variation 1354797 (VCV001354797.8), dbSNP rs149875598, ClinGen allele CA344076110.

ClinVar aggregate classification (germline): Uncertain significance (1 of 4 stars; one submission).

Conditions:
Parathyroid carcinoma (PRTC). Also called: Parathyroid gland carcinoma; CDC73-Related Parathyroid Carcinoma. Identifiers: Orphanet 143, MedGen C0687150, MONDO:0012004, OMIM 608266, HP:0006780.

gnomAD v4.1: 1 of 1,613,318 alleles (0.000062%); highest among the groups gnomAD compares: Non-Finnish European, 0.000085%; no homozygotes.

Submission:

Labcorp Genetics (formerly Invitae), Labcorp
Classification: Uncertain significance for Parathyroid carcinoma. Last evaluated: 2024-01-22. Review status: criteria provided, single submitter. Criteria: Invitae Variant Classification Sherloc (09022015). Collection method: clinical testing. Allele origin: germline.
Comment: This sequence change replaces arginine, which is basic and polar, with leucine, which is neutral and non-polar, at codon 330 of the CDC73 protein (p.Arg330Leu). This variant is present in population databases (no rsID available, gnomAD 0.0009%). This variant has not been reported in the literature in individuals affected with CDC73-related conditions. ClinVar contains an entry for this variant (Variation ID: 1354797). Advanced modeling of protein sequence and biophysical properties (such as structural, functional, and spatial information, amino acid conservation, physicochemical variation, residue mobility, and thermodynamic stability) performed at Invitae indicates that this missense variant is not expected to disrupt CDC73 protein function with a negative predictive value of 80%. In summary, the available evidence is currently insufficient to determine the role of this variant in disease. Therefore, it has been classified as a Variant of Uncertain Significance.